The following is an entry in ClinVar:

NM_015896.4(ZMYND10):c.229G>A (p.Ala77Thr)

Gene: ZMYND10 (zinc finger MYND-type containing 10; minus strand). Cytogenetic location: 3p21.31.
Variant type: single nucleotide variant.
Coding change: c.229G>A on transcript NM_015896.4 (MANE Select); coding-DNA position 229, G replaced by A.
Protein change: p.Ala77Thr; replaces alanine 77 with threonine.
Molecular consequence: missense variant.
Genome position (GRCh38, 1-based): chr3:50,343,823, C>T on the plus strand (G>A on the coding strand, the complement: ZMYND10 is on the minus strand). VCF-style: chr3-50343823-C-T. GRCh37 (hg19) VCF-style: chr3-50381254-C-T.
Other names: c.229G>A, p.Ala77Thr (NM_001308379.2); c.229G>A (NM_015896.3); short protein forms A77T.
Identifiers: ClinVar variation 410633 (VCV000410633.19), dbSNP rs146847253, ClinGen allele CA2417271.

ClinVar aggregate classification (germline): Conflicting classifications of pathogenicity. Review status: criteria provided, conflicting classifications (1 of 4 stars). 6 submissions from 6 submitters: Uncertain significance (2); Likely benign (3). 1 of the submissions does not count toward it. Last evaluated 2026-02-01.

Conditions:
ZMYND10-related disorder. Also called: ZMYND10-related condition.
Primary ciliary dyskinesia 22. Also called: CILIARY DYSKINESIA, PRIMARY, 22, WITH OR WITHOUT SITUS INVERSUS. Identifiers: Orphanet 244, MedGen C3809543, MONDO:0014192, OMIM 615444.
Primary ciliary dyskinesia. Also called: Ciliary dyskinesia. Identifiers: Orphanet 244, MedGen C0008780, MONDO:0016575, HP:0012265.

Allele frequency attached by ClinVar (database versions not stated): 1000 Genomes Project 30x 0.00047; 1000 Genomes Project 0.00060; ESP Exome Variant Server 0.00077; gnomAD 0.00126 and 0.00127; TOPMed 0.00151.
gnomAD v4.1: 2,764 of 1,614,202 alleles (0.17%); highest among the groups gnomAD compares: Middle Eastern, 0.41%; 3 homozygotes.

Submissions (6):

Labcorp Genetics (formerly Invitae), Labcorp
Classification: Likely benign for Primary ciliary dyskinesia. Last evaluated: 2026-02-01. Review status: criteria provided, single submitter. Criteria: Invitae Variant Classification Sherloc (09022015). Collection method: clinical testing. Allele origin: germline.

Blueprint Genetics
Classification: Likely benign. Last evaluated: 2024-11-19. Review status: criteria provided, single submitter. Criteria: ACMG Guidelines, 2015. Collection method: clinical testing. Allele origin: germline.

ARUP Laboratories, Molecular Genetics and Genomics, ARUP Laboratories
Classification: Likely benign for Primary ciliary dyskinesia 22. Last evaluated: 2024-05-07. Review status: criteria provided, single submitter. Criteria: ARUP Molecular Germline Variant Investigation Process 2024. Collection method: clinical testing. Allele origin: germline.

Revvity Omics, Revvity
Classification: Uncertain significance for Primary ciliary dyskinesia 22. Last evaluated: 2019-09-09. Review status: criteria provided, single submitter. Criteria: ACMG Guidelines, 2015. Collection method: clinical testing. Allele origin: germline.

Fulgent Genetics
Classification: Uncertain significance for Primary ciliary dyskinesia 22. Last evaluated: 2018-10-31. Review status: criteria provided, single submitter. Criteria: ACMG Guidelines, 2015. Collection method: clinical testing. Allele origin: unknown.

PreventionGenetics, part of Exact Sciences
Classification: Likely benign for ZMYND10-related condition. Last evaluated: 2022-05-17. Review status: no assertion criteria provided. Collection method: clinical testing. Allele origin: germline. Not counted in ClinVar's aggregate classification.
Comment: This variant is classified as likely benign based on ACMG/AMP sequence variant interpretation guidelines (Richards et al. 2015 PMID: 25741868, with internal and published modifications).